The following is an entry in ClinVar:

NM_005465.7(AKT3):c.273T>C (p.Thr91=)

Gene: AKT3 (AKT serine/threonine kinase 3; minus strand). Cytogenetic location: 1q44.
Variant type: single nucleotide variant.
Coding change: c.273T>C on transcript NM_005465.7 (MANE Select); coding-DNA position 273, T replaced by C.
Protein change: p.Thr91=; no amino-acid change (threonine 91 retained).
Molecular consequence: synonymous variant.
Genome position (GRCh38, 1-based): chr1:243,664,783, A>G on the plus strand (T>C on the coding strand, the complement: AKT3 is on the minus strand). VCF-style: chr1-243664783-A-G. GRCh37 (hg19) VCF-style: chr1-243828085-A-G.
Other names: c.273T>C, p.Thr91= (NM_001206729.2, NM_001370074.1, NM_181690.2).
Identifiers: ClinVar variation 387553 (VCV000387553.8), dbSNP rs1057522821, ClinGen allele CA16603628.

ClinVar aggregate classification (germline): Likely benign. Review status: criteria provided, multiple submitters, no conflicts (2 of 4 stars). 2 submissions from 2 submitters: Likely benign (2). Last evaluated 2022-09-12.

Conditions:
Megalencephaly-polymicrogyria-polydactyly-hydrocephalus syndrome 2 (MPPH2). Also called: MEGALENCEPHALY-POLYMICROGYRIA-POLYDACTYLY-HYDROCEPHALUS SYNDROME 2, SOMATIC. Identifiers: Orphanet 83473, MedGen C4014738, MONDO:0014407, OMIM 615937.

gnomAD v4.1: 14 of 1,509,300 alleles (0.00093%); highest among the groups gnomAD compares: African/African-American, 0.0014%; no homozygotes.

Submissions (2):

Labcorp Genetics (formerly Invitae), Labcorp
Classification: Likely benign for Megalencephaly-polymicrogyria-polydactyly-hydrocephalus syndrome 2. Last evaluated: 2022-09-12. Review status: criteria provided, single submitter. Criteria: Invitae Variant Classification Sherloc (09022015). Collection method: clinical testing. Allele origin: germline.

GeneDx
Classification: Likely benign. Last evaluated: 2016-07-08. Review status: criteria provided, single submitter. Criteria: GeneDx Variant Classification (06012015). Collection method: clinical testing. Allele origin: germline. Affected: yes.
Comment: This variant is considered likely benign or benign based on one or more of the following criteria: it is a conservative change, it occurs at a poorly conserved position in the protein, it is predicted to be benign by multiple in silico algorithms, and/or has population frequency not consistent with disease.